The following is an entry in ClinVar:

ClinVar aggregate classification (germline): Uncertain significance (1 of 4 stars; one submission).

Conditions:
Gastrointestinal stromal tumor. Also called: Gastrointestinal stromal tumor, somatic; Gastrointestinal stroma tumor. Identifiers: Orphanet 44890, MedGen C0238198, MeSH D046152, MONDO:0011719, OMIM 606764, HP:0100723.

Submission:

Labcorp Genetics (formerly Invitae), Labcorp
Classification: Uncertain significance for Gastrointestinal stromal tumor. Last evaluated: 2024-12-02. Review status: criteria provided, single submitter. Criteria: Invitae Variant Classification Sherloc (09022015). Collection method: clinical testing. Allele origin: germline.
Comment: This sequence change replaces aspartic acid, which is acidic and polar, with glutamic acid, which is acidic and polar, at codon 583 of the PDGFRA protein (p.Asp583Glu). This variant is not present in population databases (gnomAD no frequency). This variant has not been reported in the literature in individuals affected with PDGFRA-related conditions. ClinVar contains an entry for this variant (Variation ID: 1063386). Invitae Evidence Modeling of protein sequence and biophysical properties (such as structural, functional, and spatial information, amino acid conservation, physicochemical variation, residue mobility, and thermodynamic stability) indicates that this missense variant is not expected to disrupt PDGFRA protein function with a negative predictive value of 80%. In summary, the available evidence is currently insufficient to determine the role of this variant in disease. Therefore, it has been classified as a Variant of Uncertain Significance.

NM_006206.6(PDGFRA):c.1749C>A (p.Asp583Glu)

Gene: PDGFRA (platelet derived growth factor receptor alpha; plus strand). Cytogenetic location: 4q12.
Variant type: single nucleotide variant.
Coding change: c.1749C>A on transcript NM_006206.6 (MANE Select); coding-DNA position 1749, C replaced by A.
Protein change: p.Asp583Glu; replaces aspartic acid 583 with glutamic acid.
Molecular consequence: missense variant.
Genome position (GRCh38, 1-based): chr4:54,274,936, C>A. VCF-style: chr4-54274936-C-A. GRCh37 (hg19) VCF-style: chr4-55141103-C-A.
Other names: c.1749C>A, p.Asp583Glu (NM_001347827.2, NM_001347829.2); c.1824C>A, p.Asp608Glu (NM_001347828.2); c.1788C>A, p.Asp596Glu (NM_001347830.2); short protein forms D583E, D596E, D608E.
Identifiers: ClinVar variation 1063386 (VCV001063386.9), dbSNP rs769891784, ClinGen allele CA356893228.
Genomic context (GRCh38, chr4:54,274,936, plus strand): 5'-ATCAATCAGCCCAGATGGACATGAATATATTTATGTGGACCCGATGCAGCTGCCTTATGA[C>A]TCAAGATGGGAGTTTCCAAGAGATGGACTAGTGCTTGGTAAGTTCCATGGGGTAACCTCC-3'
Protein context (NP_006197.1, residues 573-593): IYVDPMQLPY[Asp583Glu]SRWEFPRDGL